The following is an entry in ClinVar:

NM_000834.5(GRIN2B):c.1883C>G (p.Ser628Cys)

Gene: GRIN2B (glutamate ionotropic receptor NMDA type subunit 2B; minus strand). Cytogenetic location: 12p13.1.
Variant type: single nucleotide variant.
Coding change: c.1883C>G on transcript NM_000834.5 (MANE Select); coding-DNA position 1883, C replaced by G.
Protein change: p.Ser628Cys; replaces serine 628 with cysteine.
Molecular consequence: missense variant.
Genome position (GRCh38, 1-based): chr12:13,608,730, G>C on the plus strand (C>G on the coding strand, the complement: GRIN2B is on the minus strand). VCF-style: chr12-13608730-G-C. GRCh37 (hg19) VCF-style: chr12-13761664-G-C.
Other names: short protein forms S628C.
Identifiers: ClinVar variation 916609 (VCV000916609.1), dbSNP rs1949320966, ClinGen allele CA384051137.

ClinVar aggregate classification (germline): Likely pathogenic (1 of 4 stars; one submission).

Conditions:
Intellectual developmental disorder, autosomal dominant 6, with or without seizures. Also called: GRIN2B-related developmental delay, intellectual disability and autism spectrum disorder; Intellectual disability, autosomal dominant 6. Identifiers: Orphanet 589547, MedGen C3151411, MONDO:0013509, OMIM 613970.

Submission:

Institute of Human Genetics, University of Leipzig Medical Center
Classification: Likely pathogenic for Intellectual developmental disorder, autosomal dominant 6, with or without seizures. Last evaluated: 2017-04-04. Review status: criteria provided, single submitter. Criteria: ACMG Guidelines, 2015. Collection method: clinical testing. Allele origin: de novo. Affected: yes.
Comment: This variant was identified as de novo (maternity and paternity confirmed).

Literature cited by the submitters: PubMed 28377535.